The following is an entry in ClinVar:

ClinVar aggregate classification (germline): Likely benign (0 of 4 stars; one submission).

Conditions:
PTCH2-related disorder. Also called: PTCH2-related disease; PTCH2-related condition.

Allele frequency attached by ClinVar (database versions not stated): gnomAD 0.00001; TOPMed 0.00002; gnomAD exomes 0.00004.

Submission:

PreventionGenetics, part of Exact Sciences
Classification: Likely benign for PTCH2-related condition. Last evaluated: 2019-10-25. Review status: no assertion criteria provided. Collection method: clinical testing. Allele origin: germline.
Comment: This variant is classified as likely benign based on ACMG/AMP sequence variant interpretation guidelines (Richards et al. 2015 PMID: 25741868, with internal and published modifications).

NM_003738.5(PTCH2):c.*1A>G

Gene: PTCH2 (patched 2; minus strand). Cytogenetic location: 1p34.1.
Variant type: single nucleotide variant.
Coding change: c.*1A>G on transcript NM_003738.5 (MANE Select); 1 bases downstream of the stop codon, A replaced by G.
Molecular consequence: 3 prime UTR variant. On other transcripts: intron variant (1).
Genome position (GRCh38, 1-based): chr1:44,822,414, T>C on the plus strand (A>G on the coding strand, the complement: PTCH2 is on the minus strand). VCF-style: chr1-44822414-T-C. GRCh37 (hg19) VCF-style: chr1-45288086-T-C.
Other names: c.3425+188A>G (NM_001166292.2).
Identifiers: ClinVar variation 3045784 (VCV003045784.2), dbSNP rs937934029, ClinGen allele CA21804773.